The following is an entry in ClinVar:

ClinVar aggregate classification (germline): Likely benign. Review status: criteria provided, multiple submitters, no conflicts (2 of 4 stars). 2 submissions from 2 submitters: Likely benign (2). Last evaluated 2024-05-21.

Allele frequency attached by ClinVar (database versions not stated): gnomAD 0.00001; TOPMed 0.00003.
gnomAD v4.1: 15 of 1,606,398 alleles (0.00093%); highest among the groups gnomAD compares: Admixed American, 0.0017%; no homozygotes.

Submissions (2):

Labcorp Genetics (formerly Invitae), Labcorp
Classification: Likely benign. Last evaluated: 2024-05-21. Review status: criteria provided, single submitter. Criteria: Invitae Variant Classification Sherloc (09022015). Collection method: clinical testing. Allele origin: germline.

CeGaT Center for Human Genetics Tuebingen
Classification: Likely benign. Last evaluated: 2023-03-01. Review status: criteria provided, single submitter. Criteria: CeGaT Center For Human Genetics Tuebingen Variant Classification Criteria Version 2. Collection method: clinical testing. Allele origin: germline. Affected: yes. Observed: 1 variant allele.
Comment: IGF1R: BP4, BP7

NM_000875.5(IGF1R):c.654G>A (p.Thr218=)

Gene: IGF1R (insulin like growth factor 1 receptor; plus strand). Cytogenetic location: 15q26.3.
Variant type: single nucleotide variant.
Coding change: c.654G>A on transcript NM_000875.5 (MANE Select); coding-DNA position 654, G replaced by A.
Protein change: p.Thr218=; no amino-acid change (threonine 218 retained).
Molecular consequence: synonymous variant.
Genome position (GRCh38, 1-based): chr15:98,891,338, G>A. VCF-style: chr15-98891338-G-A. GRCh37 (hg19) VCF-style: chr15-99434567-G-A.
Other names: c.654G>A, p.Thr218= (NM_001291858.2).
Identifiers: ClinVar variation 735484 (VCV000735484.30), dbSNP rs760813669, ClinGen allele CA275353199.